The following is an entry in ClinVar:

NC_000023.11:g.38276666C>T

Gene: RPGR (retinitis pigmentosa GTPase regulator; minus strand). Cytogenetic location: Xp11.4.
Variant type: single nucleotide variant.
Molecular consequence: missense variant (on NM_000328.3). On other transcripts: non-coding transcript variant (6).
Genome position: GRCh38 VCF-style: chrX-38276666-C-T. GRCh37 (hg19) VCF-style: chrX-38135919-C-T.
Other names: c.2012G>A, p.Ser671Asn (NM_000328.3); c.2009G>A, p.Ser670Asn (NM_001367245.1); c.1826G>A, p.Ser609Asn (NM_001367246.1); c.1679G>A, p.Ser560Asn (NM_001367247.1); c.1709G>A, p.Ser570Asn (NM_001367248.1); c.1676G>A, p.Ser559Asn (NM_001367249.1, NM_001367250.1); c.1493G>A, p.Ser498Asn (NM_001367251.1); short protein forms S671N, S498N, S559N, S570N, S560N, S609N, S670N.
Identifiers: ClinVar variation 2097658 (VCV002097658.4), dbSNP rs2519757661, ClinGen allele CA412720938.
Genomic context (GRCh38, chrX:38,276,666, plus strand): 5'-GAGCTATCATCATTGGTTCTTTCTGCTCCTTCTGTTTTACTGTGATAACCTGTAGGAACA[C>T]TTTCATCATCTCCCACAGTTTTCTTCTTGCTTTCCACATTTTCAGCATTAATTTCCTCAT-3'

ClinVar aggregate classification (germline): Uncertain significance (1 of 4 stars; one submission).

Conditions:
Primary ciliary dyskinesia. Also called: Ciliary dyskinesia. Identifiers: Orphanet 244, MedGen C0008780, MONDO:0016575, HP:0012265.

Submission:

Labcorp Genetics (formerly Invitae), Labcorp
Classification: Uncertain significance for Primary ciliary dyskinesia. Last evaluated: 2022-10-25. Review status: criteria provided, single submitter. Criteria: Invitae Variant Classification Sherloc (09022015). Collection method: clinical testing. Allele origin: germline.
Comment: This sequence change replaces serine, which is neutral and polar, with asparagine, which is neutral and polar, at codon 671 of the RPGR protein (p.Ser671Asn). This variant is not present in population databases (gnomAD no frequency). This variant has not been reported in the literature in individuals affected with RPGR-related conditions. Advanced modeling of protein sequence and biophysical properties (such as structural, functional, and spatial information, amino acid conservation, physicochemical variation, residue mobility, and thermodynamic stability) performed at Invitae indicates that this missense variant is not expected to disrupt RPGR protein function. In summary, the available evidence is currently insufficient to determine the role of this variant in disease. Therefore, it has been classified as a Variant of Uncertain Significance.